The following is an entry in ClinVar:

NM_018993.4(RIN2):c.1762+19A>T

Gene: RIN2 (Ras and Rab interactor 2; plus strand). Cytogenetic location: 20p11.23.
Variant type: single nucleotide variant.
Coding change: c.1762+19A>T on transcript NM_018993.4 (MANE Select); 19 bases into the intron after coding-DNA position 1762, A replaced by T.
Molecular consequence: intron variant.
Genome position (GRCh38, 1-based): chr20:19,975,806, A>T. VCF-style: chr20-19975806-A-T. GRCh37 (hg19) VCF-style: chr20-19956450-A-T.
Other names: c.1144+19A>T (NM_001378238.1); c.1909+19A>T (NM_001242581.2).
Identifiers: ClinVar variation 681607 (VCV000681607.5), dbSNP rs771103046, ClinGen allele CA9780140.

ClinVar aggregate classification (germline): Likely benign. Review status: criteria provided, multiple submitters, no conflicts (2 of 4 stars). 2 submissions from 2 submitters: Likely benign (2). Last evaluated 2025-08-30.

Allele frequency attached by ClinVar (database versions not stated): gnomAD 0.00005 and 0.00006; gnomAD exomes 0.00006 and 0.00008; ExAC 0.00010; TOPMed 0.00008.
gnomAD v4.1: 99 of 1,575,278 alleles (0.0063%); highest among the groups gnomAD compares: Admixed American, 0.016%; no homozygotes.

Submissions (2):

Labcorp Genetics (formerly Invitae), Labcorp
Classification: Likely benign. Last evaluated: 2025-08-30. Review status: criteria provided, single submitter. Criteria: Invitae Variant Classification Sherloc (09022015). Collection method: clinical testing. Allele origin: germline.

GeneDx
Classification: Likely benign. Last evaluated: 2018-04-19. Review status: criteria provided, single submitter. Criteria: GeneDx Variant Classification (06012015). Collection method: clinical testing. Allele origin: germline. Affected: yes.
Comment: This variant is considered likely benign or benign based on one or more of the following criteria: it is a conservative change, it occurs at a poorly conserved position in the protein, it is predicted to be benign by multiple in silico algorithms, and/or has population frequency not consistent with disease.